The following is an entry in ClinVar:

NM_024675.4(PALB2):c.1507G>A (p.Ala503Thr)

Gene: PALB2 (partner and localizer of BRCA2; minus strand). Cytogenetic location: 16p12.2.
Variant type: single nucleotide variant.
Coding change: c.1507G>A on transcript NM_024675.4 (MANE Select); coding-DNA position 1507, G replaced by A.
Protein change: p.Ala503Thr; replaces alanine 503 with threonine.
Molecular consequence: missense variant. On other transcripts: intron variant (3).
Genome position (GRCh38, 1-based): chr16:23,635,039, C>T on the plus strand (G>A on the coding strand, the complement: PALB2 is on the minus strand). VCF-style: chr16-23635039-C-T. GRCh37 (hg19) VCF-style: chr16-23646360-C-T.
Other names: c.1447G>A, p.Ala483Thr (NM_001407296.1); c.1507G>A, p.Ala503Thr (NM_001407297.1, NM_001407298.1, NM_001407299.1 and 3 more transcripts); c.622G>A, p.Ala208Thr (NM_001407304.1, NM_001407305.1, NM_001407306.1 and 5 more transcripts); c.49-5764G>A (NM_001407314.1); c.-104-4570G>A (NM_001407313.1, NM_001407312.1); short protein forms A483T, A503T, A208T.
Identifiers: ClinVar variation 4056184 (VCV004056184.2).

ClinVar aggregate classification (germline): Uncertain significance. Review status: criteria provided, multiple submitters, no conflicts (2 of 4 stars). 2 submissions from 2 submitters: Uncertain significance (2). Last evaluated 2026-02-28.

Conditions:
Hereditary cancer-predisposing syndrome. Also called: Neoplastic Syndromes, Hereditary; Tumor predisposition; Hereditary neoplastic syndrome; Hereditary Cancer Syndrome. Identifiers: Orphanet 140162, MedGen C0027672, MeSH D009386, MONDO:0015356.
Familial cancer of breast. Also called: BREAST CANCER, FAMILIAL; Hereditary breast cancer; hereditary breast carcinoma. Identifiers: Orphanet 227535, MedGen C0346153, MONDO:0016419, OMIM 114480. Disease mechanism: loss of function.

Submissions (2):

Ambry Genetics
Classification: Uncertain significance for Hereditary cancer-predisposing syndrome. Last evaluated: 2026-02-28. Review status: criteria provided, single submitter. Criteria: Ambry Variant Classification Scheme 2023. Collection method: clinical testing. Allele origin: germline.
Comment: The p.A503T variant (also known as c.1507G>A), located in coding exon 4 of the PALB2 gene, results from a G to A substitution at nucleotide position 1507. The alanine at codon 503 is replaced by threonine, an amino acid with similar properties. This amino acid position is conserved. In addition, this alteration is predicted to be tolerated by in silico analysis. Based on the available evidence, the clinical significance of this variant remains unclear.

Molecular Pathology, Peter Maccallum Cancer Centre
Classification: Uncertain significance for Familial cancer of breast. Last evaluated: 2024-11-01. Review status: criteria provided, single submitter. Criteria: ACMG Guidelines, 2015. Collection method: clinical testing. Allele origin: germline. Inheritance: Autosomal dominant inheritance.